The following is an entry in ClinVar:

NC_000001.11:g.231575743_231677388dup

Genes: DISC1 (DISC1 scaffold protein; plus strand), LINC00582 (long intergenic non-protein coding RNA 582; minus strand), TSNAX-DISC1 (TSNAX-DISC1 readthrough (NMD candidate); plus strand), LOC129388776 (MPRA-validated peak764 silencer; plus strand), LOC129388777 (MPRA-validated peak765 silencer; plus strand) and 3 more. Cytogenetic location: 1q42.2.
Variant type: Duplication.
Identifiers: ClinVar variation 156770 (VCV000156770.2).

ClinVar aggregate classification (germline): not provided (0 of 4 stars; one submission).

Conditions:
Gestational diabetes mellitus uncontrolled. Identifiers: MedGen C3532257.

Submission:

Institute of Molecular and Cell Biology, University of Tartu
No classification provided. Condition: Gestational diabetes mellitus uncontrolled. Review status: no classification provided. Collection method: case-control. Allele origin: unknown. Affected: yes. Study: Kasak2014.
Comment: The study aimed to determine the contribution of copy number variants in the genetic etiology of normal and complicated pregnancies. The samples represented (i) maternal blood DNA drawn from healthy pregnant women during 1st or 2nd trimester and (ii) maternal and paternal blood DNA drawn at term pregnancy cases representing normal and complicated gestations (severe preeclampsia, PE; gestational diabetes, GD; small-for-gestational age newborn, SGA; large-for-gestational age newborn, LGA). We performed CNV calling based on genome-wide genotyping dataset (Illumina HumanOmniExpress-24-v1 BeadChip) by applying three algorithms, QuantiSNP, GADA (Genome Alteration Detection Algorithm) and CNstream in parallel. The acquired CNV calls were merged with HD-CNV (Hotspot Detector for Copy Number Variants) program and only the CNVs predicted by at least two programs, were considered in subsequent analysis.

Literature cited by the submitters: PubMed 25666259.